The following is an entry in ClinVar:

NM_001458.5(FLNC):c.5264C>G (p.Ala1755Gly)

Gene: FLNC (filamin C; plus strand). Cytogenetic location: 7q32.1.
Variant type: single nucleotide variant.
Coding change: c.5264C>G on transcript NM_001458.5 (MANE Select); coding-DNA position 5264, C replaced by G.
Protein change: p.Ala1755Gly; replaces alanine 1755 with glycine.
Molecular consequence: missense variant. On other transcripts: intron variant (1).
Genome position (GRCh38, 1-based): chr7:128,850,040, C>G. VCF-style: chr7-128850040-C-G. GRCh37 (hg19) VCF-style: chr7-128490094-C-G.
Other names: c.5200-344C>G (NM_001127487.2); short protein forms A1755G.
Identifiers: ClinVar variation 656414 (VCV000656414.8), dbSNP rs1286156977, ClinGen allele CA369204687.

ClinVar aggregate classification (germline): Conflicting classifications of pathogenicity. Review status: criteria provided, conflicting classifications (1 of 4 stars). 2 submissions from 2 submitters: Uncertain significance (1); Likely benign (1). Last evaluated 2025-12-24.

Conditions:
Myofibrillar myopathy 5. Also called: Filaminopathy (type); FILAMINOPATHY, AUTOSOMAL DOMINANT. Identifiers: Orphanet 171445, MedGen C1836050, MONDO:0012289, OMIM 609524.
Hypertrophic cardiomyopathy 26. Also called: Cardiomyopathy, familial hypertrophic, 26. Identifiers: Orphanet 75249, MedGen C4310749, MONDO:0014883, OMIM 617047.
Distal myopathy with posterior leg and anterior hand involvement. Also called: WILLIAMS DISTAL MYOPATHY. Identifiers: Orphanet 63273, MedGen C3279722, MONDO:0013550, OMIM 614065.
Cardiovascular phenotype. Identifiers: MedGen CN230736.

Allele frequency attached by ClinVar (database versions not stated): TOPMed 0.00001; gnomAD 0.00006.

Submissions (2):

Labcorp Genetics (formerly Invitae), Labcorp
Classification: Likely benign for Distal myopathy with posterior leg and anterior hand involvement; Myofibrillar myopathy 5; Hypertrophic cardiomyopathy 26. Last evaluated: 2025-12-24. Review status: criteria provided, single submitter. Criteria: Invitae Variant Classification Sherloc (09022015). Collection method: clinical testing. Allele origin: germline.

Ambry Genetics
Classification: Uncertain significance for Cardiovascular phenotype. Last evaluated: 2023-02-02. Review status: criteria provided, single submitter. Criteria: Ambry Variant Classification Scheme 2023. Collection method: clinical testing. Allele origin: germline.
Comment: The p.A1755G variant (also known as c.5264C>G), located in coding exon 31 of the FLNC gene, results from a C to G substitution at nucleotide position 5264. The alanine at codon 1755 is replaced by glycine, an amino acid with similar properties. This amino acid position is not well conserved in available vertebrate species. In addition, this alteration is predicted to be tolerated by in silico analysis. Since supporting evidence is limited at this time, the clinical significance of this alteration remains unclear.